The following is an entry in ClinVar:

NM_000059.4(BRCA2):c.9098dup (p.Gln3034fs)

Gene: BRCA2 (BRCA2 DNA repair associated; plus strand). Cytogenetic location: 13q13.1.
Variant type: Duplication.
Coding change: c.9098dup on transcript NM_000059.4 (MANE Select); coding-DNA position 9098, one base duplicated (C; older notation c.9098dupC).
Protein change: p.Gln3034fs; shifts the reading frame from glutamine 3034.
Molecular consequence: frameshift variant.
Genome position (GRCh38, 1-based): chr13:32,379,894, C duplicated. VCF-style (leftmost placement, unchanged base first): chr13-32379893-A-AC. GRCh37 (hg19) VCF-style: chr13-32954030-A-AC.
Other names: 9326insC; c.9098dupC (NM_000059.3); short protein forms Q3034fs.
Identifiers: ClinVar variation 126200 (VCV000126200.2), dbSNP rs1555288504, ClinGen allele CA025973.
Genomic context (GRCh38, chr13:32,379,893, plus strand): 5'-ACTTCAAAATCTAAAAGTAAATCTGAAAGAGCTAACATACAGTTAGCAGCGACAAAAAAA[A>AC]CTCAGTATCAACAACTACCGGTACAAACCTTTCATTGTAATTTTTCAGTTTTGATAAGTG-3'

ClinVar aggregate classification (germline): Pathogenic. Review status: reviewed by expert panel (3 of 4 stars). 2 submissions from 2 submitters: Pathogenic (1). 1 of the submissions does not count toward it. Last evaluated 2016-09-08.

Conditions:
Breast-ovarian cancer, familial, susceptibility to, 2 (BROVCA2). Also called: BRCA2 Hereditary Breast and Ovarian Cancer. Identifiers: Orphanet 145, MedGen C2675520, MONDO:0012933, OMIM 612555. Disease mechanism: loss of function.

Submissions (2):

Evidence-based Network for the Interpretation of Germline Mutant Alleles (ENIGMA)
Classification: Pathogenic for Breast-ovarian cancer, familial, susceptibility to, 2. Last evaluated: 2016-09-08. Review status: reviewed by expert panel. Criteria: ENIGMA BRCA1/2 Classification Criteria (2015). Collection method: curation. Allele origin: germline.
Comment: Variant allele predicted to encode a truncated non-functional protein.

Breast Cancer Information Core (BIC) (BRCA2)
Classification: Pathogenic for Breast-ovarian cancer, familial 2. Last evaluated: 2013-05-21. Review status: no assertion criteria provided. Collection method: clinical testing. Allele origin: germline. Affected: yes. Observed: 1 variant allele. Not counted in ClinVar's aggregate classification.